The following is an entry in ClinVar:

NM_007373.4(SHOC2):c.476C>T (p.Thr159Ile)

Gene: SHOC2 (SHOC2 leucine rich repeat scaffold protein; plus strand). Cytogenetic location: 10q25.2.
Variant type: single nucleotide variant.
Coding change: c.476C>T on transcript NM_007373.4 (MANE Select); coding-DNA position 476, C replaced by T.
Protein change: p.Thr159Ile; replaces threonine 159 with isoleucine.
Molecular consequence: missense variant. On other transcripts: 5 prime UTR variant (1), non-coding transcript variant (1), intron variant (3).
Genome position (GRCh38, 1-based): chr10:110,964,834, C>T. VCF-style: chr10-110964834-C-T. GRCh37 (hg19) VCF-style: chr10-112724592-C-T.
Other names: c.476C>T, p.Thr159Ile (NM_001269039.3, NM_001324336.2, NM_001324337.2 and 4 more transcripts); c.-311C>T (NM_001441188.1); c.-380-20794C>T (NM_001441190.1); c.-249-20794C>T (NM_001441191.1); c.-242-35581C>T (NM_001441189.1); short protein forms T159I.
Identifiers: ClinVar variation 4826673 (VCV004826673.1).

ClinVar aggregate classification (germline): Uncertain significance (1 of 4 stars; one submission).

Conditions:
Cardiovascular phenotype. Identifiers: MedGen CN230736.

gnomAD v4.1: 1 of 1,613,956 alleles (0.000062%); highest among the groups gnomAD compares: Non-Finnish European, 0.000085%; no homozygotes.

Submission:

Ambry Genetics
Classification: Uncertain significance for Cardiovascular phenotype. Last evaluated: 2026-03-09. Review status: criteria provided, single submitter. Criteria: Ambry Variant Classification Scheme 2023. Collection method: clinical testing. Allele origin: germline.
Comment: The p.T159I variant (also known as c.476C>T), located in coding exon 1 of the SHOC2 gene, results from a C to T substitution at nucleotide position 476. The threonine at codon 159 is replaced by isoleucine, an amino acid with similar properties. This amino acid position is conserved. In addition, the in silico prediction for this alteration is inconclusive. Based on the available evidence, the clinical significance of this variant remains unclear.